The following is an entry in ClinVar:

ClinVar aggregate classification (germline): Uncertain significance. Review status: criteria provided, multiple submitters, no conflicts (2 of 4 stars). 3 submissions from 3 submitters: Uncertain significance (3). Last evaluated 2025-05-17.

Conditions:
Kleefstra syndrome 1 (KLEFS1). Identifiers: Orphanet 261494, MedGen C0795833, MONDO:0027407, OMIM 610253.
Inborn genetic diseases. Identifiers: MedGen C0950123, MeSH D030342.

gnomAD v4.1: 6 of 1,613,042 alleles (0.00037%); highest among the groups gnomAD compares: South Asian, 0.0011%; no homozygotes.

Submissions (3):

Ambry Genetics
Classification: Uncertain significance for Inborn genetic diseases. Last evaluated: 2025-05-17. Review status: criteria provided, single submitter. Criteria: Ambry Variant Classification Scheme 2023. Collection method: clinical testing. Allele origin: germline.

Labcorp Genetics (formerly Invitae), Labcorp
Classification: Uncertain significance for Kleefstra syndrome 1. Last evaluated: 2025-03-19. Review status: criteria provided, single submitter. Criteria: Invitae Variant Classification Sherloc (09022015). Collection method: clinical testing. Allele origin: germline.
Comment: This sequence change replaces arginine, which is basic and polar, with threonine, which is neutral and polar, at codon 78 of the EHMT1 protein (p.Arg78Thr). This variant is not present in population databases (gnomAD no frequency). This variant has not been reported in the literature in individuals affected with EHMT1-related conditions. ClinVar contains an entry for this variant (Variation ID: 2659832). An algorithm developed to predict the effect of missense changes on protein structure and function (PolyPhen-2) suggests that this variant is likely to be tolerated. In summary, the available evidence is currently insufficient to determine the role of this variant in disease. Therefore, it has been classified as a Variant of Uncertain Significance.

CeGaT Center for Human Genetics Tuebingen
Classification: Uncertain significance. Last evaluated: 2023-02-01. Review status: criteria provided, single submitter. Criteria: CeGaT Center For Human Genetics Tuebingen Variant Classification Criteria Version 2. Collection method: clinical testing. Allele origin: germline. Affected: yes. Observed: 1 variant allele.
Comment: EHMT1: PM2, BP4

NM_024757.5(EHMT1):c.233G>C (p.Arg78Thr)

Gene: EHMT1 (euchromatic histone lysine methyltransferase 1; plus strand). Cytogenetic location: 9q34.3.
Variant type: single nucleotide variant.
Coding change: c.233G>C on transcript NM_024757.5 (MANE Select); coding-DNA position 233, G replaced by C.
Protein change: p.Arg78Thr; replaces arginine 78 with threonine.
Molecular consequence: missense variant.
Genome position (GRCh38, 1-based): chr9:137,716,773, G>C. VCF-style: chr9-137716773-G-C. GRCh37 (hg19) VCF-style: chr9-140611225-G-C.
Other names: c.233G>C, p.Arg78Thr (NM_001145527.2, NM_001354263.2, NM_001354611.2); c.140G>C, p.Arg47Thr (NM_001354259.2, NM_001354612.2); c.233G>C (NM_024757.4); short protein forms R47T, R78T.
Identifiers: ClinVar variation 2659832 (VCV002659832.27), dbSNP rs750735802, ClinGen allele CA375763468.